The following is an entry in ClinVar:

ClinVar aggregate classification (germline): Uncertain significance (1 of 4 stars; one submission).

Submission:

GeneDx
Classification: Uncertain significance. Last evaluated: 2021-04-20. Review status: criteria provided, single submitter. Criteria: GeneDx Variant Classification Process June 2021. Collection method: clinical testing. Allele origin: germline. Affected: yes.
Comment: Has not been previously published as pathogenic or benign to our knowledge; Not observed in large population cohorts (Lek et al., 2016); In silico analysis supports that this missense variant has a deleterious effect on protein structure/function

NM_001386135.1(AFF3):c.2965C>T (p.His989Tyr)

Gene: AFF3 (ALF transcription elongation factor 3; minus strand). Cytogenetic location: 2q11.2.
Variant type: single nucleotide variant.
Coding change: c.2965C>T on transcript NM_001386135.1 (MANE Select); coding-DNA position 2965, C replaced by T.
Protein change: p.His989Tyr; replaces histidine 989 with tyrosine.
Molecular consequence: missense variant.
Genome position (GRCh38, 1-based): chr2:99,568,869, G>A on the plus strand (C>T on the coding strand, the complement: AFF3 is on the minus strand). VCF-style: chr2-99568869-G-A. GRCh37 (hg19) VCF-style: chr2-100185331-G-A.
Other names: c.3040C>T, p.His1014Tyr (NM_001025108.2); c.2965C>T, p.His989Tyr (NM_002285.3); short protein forms H1014Y, H989Y.
Identifiers: ClinVar variation 1327684 (VCV001327684.2), dbSNP rs2104667844, ClinGen allele CA347883266.
Genomic context (GRCh38, chr2:99,568,869, plus strand): 5'-CACATAATTTGGAAGAACGTATCTGGAAAGAAAAGGGTCTCACCATTGCATCTGCTTTAT[G>A]CTTCATTCGTTTAGCTTCTTGCATAAAATAATCGGCACTGCGAGGCCTACAAGGAGAGAA-3'
Protein context (NP_001373064.1, residues 979-999): YFMQEAKRMK[His989Tyr]KADAMVEKFG